The following is an entry in ClinVar:

NM_001033855.3(DCLRE1C):c.1879G>A (p.Glu627Lys)

Gene: DCLRE1C (DNA cross-link repair 1C; minus strand). Cytogenetic location: 10p13.
Variant type: single nucleotide variant.
Coding change: c.1879G>A on transcript NM_001033855.3 (MANE Select); coding-DNA position 1879, G replaced by A.
Protein change: p.Glu627Lys; replaces glutamic acid 627 with lysine.
Molecular consequence: missense variant. On other transcripts: non-coding transcript variant (3), intron variant (3).
Genome position (GRCh38, 1-based): chr10:14,908,608, C>T on the plus strand (G>A on the coding strand, the complement: DCLRE1C is on the minus strand). VCF-style: chr10-14908608-C-T. GRCh37 (hg19) VCF-style: chr10-14950607-C-T.
Other names: c.1519G>A, p.Glu507Lys (NM_001033857.3, NM_001033858.3, NM_001289077.2 and 1 more transcripts); c.1534G>A, p.Glu512Lys (NM_001289076.2, NM_001289078.2, NM_022487.4); c.1437+97G>A (NM_001350966.2); c.1782+97G>A (NM_001350965.2); c.1422+97G>A (NM_001350967.2); short protein forms E507K, E512K, E627K.
Identifiers: ClinVar variation 657512 (VCV000657512.6), dbSNP rs1588890065, ClinGen allele CA376074364.

ClinVar aggregate classification (germline): Uncertain significance (1 of 4 stars; one submission).

Conditions:
Severe combined immunodeficiency due to DCLRE1C deficiency (RS-SCID). Also called: SCID, AUTOSOMAL RECESSIVE, T CELL-NEGATIVE, B CELL-NEGATIVE, NK CELL-POSITIVE, WITH SENSITIVITY TO IONIZING RADIATION. Identifiers: Orphanet 275, MedGen C1865371, MONDO:0011225, OMIM 602450.

Submission:

Labcorp Genetics (formerly Invitae), Labcorp
Classification: Uncertain significance for Athabaskan severe combined immunodeficiency. Last evaluated: 2018-07-25. Review status: criteria provided, single submitter. Criteria: Invitae Variant Classification Sherloc (09022015). Collection method: clinical testing. Allele origin: germline.
Comment: In summary, the available evidence is currently insufficient to determine the role of this variant in disease. Therefore, it has been classified as a Variant of Uncertain Significance. Algorithms developed to predict the effect of missense changes on protein structure and function (SIFT, PolyPhen-2, Align-GVGD) all suggest that this variant is likely to be tolerated, but these predictions have not been confirmed by published functional studies and their clinical significance is uncertain. This variant has not been reported in the literature in individuals with DCLRE1C-related disease. This variant is not present in population databases (ExAC no frequency). This sequence change replaces glutamic acid with lysine at codon 627 of the DCLRE1C protein (p.Glu627Lys). The glutamic acid residue is weakly conserved and there is a small physicochemical difference between glutamic acid and lysine.